The following is an entry in ClinVar:

NM_006084.5(IRF9):c.568C>G (p.Pro190Ala)

Gene: IRF9 (interferon regulatory factor 9; plus strand). Cytogenetic location: 14q12.
Variant type: single nucleotide variant.
Coding change: c.568C>G on transcript NM_006084.5 (MANE Select); coding-DNA position 568, C replaced by G.
Protein change: p.Pro190Ala; replaces proline 190 with alanine.
Molecular consequence: missense variant.
Genome position (GRCh38, 1-based): chr14:24,163,950, C>G. VCF-style: chr14-24163950-C-G. GRCh37 (hg19) VCF-style: chr14-24633159-C-G.
Other names: c.568C>G, p.Pro190Ala (NM_001385401.1, NM_001385402.1, NM_001385400.1); short protein forms P190A.
Identifiers: ClinVar variation 3610311 (VCV003610311.2).

ClinVar aggregate classification (germline): Uncertain significance (1 of 4 stars; one submission).

Submission:

Labcorp Genetics (formerly Invitae), Labcorp
Classification: Uncertain significance. Last evaluated: 2024-12-29. Review status: criteria provided, single submitter. Criteria: Invitae Variant Classification Sherloc (09022015). Collection method: clinical testing. Allele origin: germline.
Comment: This sequence change replaces proline, which is neutral and non-polar, with alanine, which is neutral and non-polar, at codon 190 of the IRF9 protein (p.Pro190Ala). This variant is not present in population databases (gnomAD no frequency). This variant has not been reported in the literature in individuals affected with IRF9-related conditions. An algorithm developed to predict the effect of missense changes on protein structure and function (PolyPhen-2) suggests that this variant is likely to be tolerated. In summary, the available evidence is currently insufficient to determine the role of this variant in disease. Therefore, it has been classified as a Variant of Uncertain Significance.